The following is an entry in ClinVar:

ClinVar aggregate classification (germline): Uncertain significance. Review status: criteria provided, multiple submitters, no conflicts (2 of 4 stars). 3 submissions from 3 submitters: Uncertain significance (3). Last evaluated 2025-01-23.

Conditions:
Hereditary cancer-predisposing syndrome. Also called: Neoplastic Syndromes, Hereditary; Tumor predisposition; Hereditary Cancer Syndrome; Hereditary neoplastic syndrome. Identifiers: Orphanet 140162, MedGen C0027672, MeSH D009386, MONDO:0015356.
Hereditary breast ovarian cancer syndrome. Also called: Hereditary breast and/or ovarian cancer syndrome; Hereditary breast and ovarian cancer syndrome; Breast and ovarian cancer; Hereditary breast and ovarian cancer; BRCA1- and BRCA2-Associated Hereditary Breast and Ovarian Cancer; Hereditary breast and ovarian cancer syndrome (HBOC). Identifiers: Orphanet 145, MedGen C0677776, MeSH D061325, MONDO:0003582. Disease mechanism: loss of function.

Allele frequency attached by ClinVar (database versions not stated): gnomAD exomes below 0.00001.
gnomAD v4.1: 1 of 1,613,818 alleles (0.000062%); highest among the groups gnomAD compares: South Asian, 0.0011%; no homozygotes.

Submissions (3):

Quest Diagnostics Nichols Institute San Juan Capistrano
Classification: Uncertain significance. Last evaluated: 2025-01-23. Review status: criteria provided, single submitter. Criteria: Quest Diagnostics criteria. Collection method: clinical testing. Allele origin: unknown.
Comment: The BRCA2 c.7817A>G (p.Asp2606Gly) variant has been reported in the published literature to have intermediate homology directed repair (HDR) activity (PMID: 29394989 (2018), 29884841 (2019)). This variant has not been reported in large, multi-ethnic general populations (Genome Aggregation Database). Analysis of this variant using bioinformatics tools for the prediction of the effect of amino acid changes on protein structure and function yielded predictions that this variant is damaging. Based on the available information, we are unable to determine the clinical significance of this variant.

Labcorp Genetics (formerly Invitae), Labcorp
Classification: Uncertain significance for Hereditary breast ovarian cancer syndrome. Last evaluated: 2024-10-13. Review status: criteria provided, single submitter. Criteria: Invitae Variant Classification Sherloc (09022015). Collection method: clinical testing. Allele origin: germline.
Comment: This sequence change replaces aspartic acid, which is acidic and polar, with glycine, which is neutral and non-polar, at codon 2606 of the BRCA2 protein (p.Asp2606Gly). This variant is not present in population databases (gnomAD no frequency). This variant has not been reported in the literature in individuals affected with BRCA2-related conditions. ClinVar contains an entry for this variant (Variation ID: 1760752). Invitae Evidence Modeling of protein sequence and biophysical properties (such as structural, functional, and spatial information, amino acid conservation, physicochemical variation, residue mobility, and thermodynamic stability) has been performed for this missense variant. However, the output from this modeling did not meet the statistical confidence thresholds required to predict the impact of this variant on BRCA2 protein function. Experimental studies are conflicting or provide insufficient evidence to determine the effect of this variant on BRCA2 function (PMID: 29394989). In summary, the available evidence is currently insufficient to determine the role of this variant in disease. Therefore, it has been classified as a Variant of Uncertain Significance.

Ambry Genetics
Classification: Uncertain significance for Hereditary cancer-predisposing syndrome. Last evaluated: 2022-05-24. Review status: criteria provided, single submitter. Criteria: Ambry Variant Classification Scheme 2023. Collection method: clinical testing. Allele origin: germline.
Comment: The p.D2606G variant (also known as c.7817A>G), located in coding exon 16 of the BRCA2 gene, results from an A to G substitution at nucleotide position 7817. The aspartic acid at codon 2606 is replaced by glycine, an amino acid with similar properties. This variant had intermediate function in a homology-directed DNA repair (HDR) assay (Hart SN et al. Genet Med, 2019 01;21:71-80). This amino acid position is highly conserved in available vertebrate species. In addition, this alteration is predicted to be deleterious by in silico analysis. Since supporting evidence is limited at this time, the clinical significance of this alteration remains unclear.

Literature cited by the submitters: PubMed 29394989 (cited by Quest Diagnostics Nichols Institute San Juan Capistrano and Labcorp Genetics (formerly Invitae), Labcorp); PubMed 29884841 (cited by Quest Diagnostics Nichols Institute San Juan Capistrano and Ambry Genetics).

NM_000059.4(BRCA2):c.7817A>G (p.Asp2606Gly)

Gene: BRCA2 (BRCA2 DNA repair associated; plus strand). Cytogenetic location: 13q13.1.
Variant type: single nucleotide variant.
Coding change: c.7817A>G on transcript NM_000059.4 (MANE Select); coding-DNA position 7817, A replaced by G.
Protein change: p.Asp2606Gly; replaces aspartic acid 2606 with glycine.
Molecular consequence: missense variant.
Genome position (GRCh38, 1-based): chr13:32,362,534, A>G. VCF-style: chr13-32362534-A-G. GRCh37 (hg19) VCF-style: chr13-32936671-A-G.
Other names: c.7721A>G, p.Asp2574Gly (NM_001406719.1); c.7817A>G, p.Asp2606Gly (NM_001406720.1); c.2885A>G, p.Asp962Gly (NM_001406721.1); c.1400A>G, p.Asp467Gly (NM_001406722.1); short protein forms D2606G, D467G, D962G, D2574G.
Identifiers: ClinVar variation 1760752 (VCV001760752.6), dbSNP rs1181739374, ClinGen allele CA387746968.